The following is an entry in ClinVar:

NM_000392.5(ABCC2):c.23C>T (p.Ser8Phe)

Gene: ABCC2 (ATP binding cassette subfamily C member 2; plus strand). Cytogenetic location: 10q24.2.
Variant type: single nucleotide variant.
Coding change: c.23C>T on transcript NM_000392.5 (MANE Select); coding-DNA position 23, C replaced by T.
Protein change: p.Ser8Phe; replaces serine 8 with phenylalanine.
Molecular consequence: missense variant.
Genome position (GRCh38, 1-based): chr10:99,782,867, C>T. VCF-style: chr10-99782867-C-T. GRCh37 (hg19) VCF-style: chr10-101542624-C-T.
Other names: c.23C>T, p.Ser8Phe (LRG_1208t1); c.23C>T (NM_000392.4); short protein forms S8F.
Identifiers: ClinVar variation 597092 (VCV000597092.11), dbSNP rs375147383, ClinGen allele CA5642748.

ClinVar aggregate classification (germline): Uncertain significance. Review status: criteria provided, multiple submitters, no conflicts (2 of 4 stars). 3 submissions from 3 submitters: Uncertain significance (2). 1 of the submissions does not count toward it. Last evaluated 2018-05-04.

Conditions:
ABCC2-related disorder. Also called: ABCC2-related condition.
Dubin-Johnson syndrome (DJS). Also called: HYPERBILIRUBINEMIA, DUBIN-JOHNSON TYPE; Hyperbilirubinemia type 2; Jaundice, Chronic Idiopathic. Identifiers: Orphanet 234, MedGen C0022350, MONDO:0009380, OMIM 237500.

Allele frequency attached by ClinVar (database versions not stated): gnomAD exomes 0.00006 and 0.00007; TOPMed 0.00006; ExAC 0.00007; gnomAD 0.00007 and 0.00008; ESP Exome Variant Server 0.00008.
gnomAD v4.1: 110 of 1,613,952 alleles (0.0068%); highest among the groups gnomAD compares: Non-Finnish European, 0.0086%; no homozygotes.

Submissions (3):

Eurofins Ntd Llc (ga)
Classification: Uncertain significance. Last evaluated: 2018-05-04. Review status: criteria provided, single submitter. Criteria: EGL ClinVar v180209 classification definitions. Collection method: clinical testing. Allele origin: germline. Observed: 1 variant allele, 1 heterozygote.

Illumina Laboratory Services, Illumina
Classification: Uncertain significance for Dubin-Johnson syndrome. Last evaluated: 2018-01-13. Review status: criteria provided, single submitter. Criteria: ICSL Variant Classification Criteria 13 December 2019. Collection method: clinical testing. Allele origin: germline.

PreventionGenetics, part of Exact Sciences
Classification: Uncertain significance for ABCC2-related condition. Last evaluated: 2024-02-13. Review status: no assertion criteria provided. Collection method: clinical testing. Allele origin: germline. Not counted in ClinVar's aggregate classification.
Comment: The ABCC2 c.23C>T variant is predicted to result in the amino acid substitution p.Ser8Phe. To our knowledge, this variant has not been reported in the literature. This variant is reported in 0.0093% of alleles in individuals of European (Non-Finnish) descent in gnomAD. At this time, the clinical significance of this variant is uncertain due to the absence of conclusive functional and genetic evidence.